The following is an entry in ClinVar:

ClinVar aggregate classification (germline): Uncertain significance (1 of 4 stars; one submission).

Conditions:
Kleefstra syndrome 1 (KLEFS1). Identifiers: Orphanet 261494, MedGen C0795833, MONDO:0027407, OMIM 610253.

gnomAD v4.1: 2 of 1,614,210 alleles (0.00012%); highest among the groups gnomAD compares: Non-Finnish European, 0.00017%; no homozygotes.

Submission:

Labcorp Genetics (formerly Invitae), Labcorp
Classification: Uncertain significance for Kleefstra syndrome 1. Last evaluated: 2024-08-13. Review status: criteria provided, single submitter. Criteria: Invitae Variant Classification Sherloc (09022015). Collection method: clinical testing. Allele origin: germline.
Comment: This sequence change replaces asparagine, which is neutral and polar, with aspartic acid, which is acidic and polar, at codon 238 of the EHMT1 protein (p.Asn238Asp). This variant is present in population databases (rs754874664, gnomAD 0.0009%). This variant has not been reported in the literature in individuals affected with EHMT1-related conditions. Advanced modeling of protein sequence and biophysical properties (such as structural, functional, and spatial information, amino acid conservation, physicochemical variation, residue mobility, and thermodynamic stability) performed at Invitae indicates that this missense variant is not expected to disrupt EHMT1 protein function with a negative predictive value of 80%. In summary, the available evidence is currently insufficient to determine the role of this variant in disease. Therefore, it has been classified as a Variant of Uncertain Significance.

NM_024757.5(EHMT1):c.712A>G (p.Asn238Asp)

Gene: EHMT1 (euchromatic histone lysine methyltransferase 1; plus strand). Cytogenetic location: 9q34.3.
Variant type: single nucleotide variant.
Coding change: c.712A>G on transcript NM_024757.5 (MANE Select); coding-DNA position 712, A replaced by G.
Protein change: p.Asn238Asp; replaces asparagine 238 with aspartic acid.
Molecular consequence: missense variant.
Genome position (GRCh38, 1-based): chr9:137,728,418, A>G. VCF-style: chr9-137728418-A-G. GRCh37 (hg19) VCF-style: chr9-140622870-A-G.
Other names: c.712A>G, p.Asn238Asp (NM_001145527.2, NM_001354263.2, NM_001354611.2); c.619A>G, p.Asn207Asp (NM_001354259.2, NM_001354612.2); short protein forms N207D, N238D.
Identifiers: ClinVar variation 3683358 (VCV003683358.2).
Genomic context (GRCh38, chr9:137,728,418, plus strand): 5'-AGTAAAGATCCCAGAGAAGTTCGAGAAGCTAGAGATCATAAGGAACCAAAAGAGGAGATC[A>G]ACAAAAACATTTCTGACTTTGGACGACAGCAGCTTTTACCCCCCTTCCCATCCCTTCATC-3'
Protein context (NP_079033.4, residues 228-248): RDHKEPKEEI[Asn238Asp]KNISDFGRQQ